The following is an entry in ClinVar:

ClinVar aggregate classification (germline): Uncertain significance. Review status: criteria provided, multiple submitters, no conflicts (2 of 4 stars). 2 submissions from 2 submitters: Uncertain significance (2). Last evaluated 2024-10-21.

Conditions:
2-aminoadipic 2-oxoadipic aciduria (AAKAD). Also called: ALPHA-AMINOADIPIC AND ALPHA-KETOADIPIC ACIDURIA; Aminoadipic aciduria. Identifiers: Orphanet 79154, MedGen C1859817, MONDO:0008774, OMIM 204750.
Inborn genetic diseases. Identifiers: MedGen C0950123, MeSH D030342.

Allele frequency attached by ClinVar (database versions not stated): ExAC 0.00001; gnomAD exomes 0.00001; gnomAD 0.00005; TOPMed 0.00005.
gnomAD v4.1: 18 of 1,614,088 alleles (0.0011%); highest among the groups gnomAD compares: African/African-American, 0.024%; no homozygotes.

Submissions (2):

Ambry Genetics
Classification: Uncertain significance for Inborn genetic diseases. Last evaluated: 2024-10-21. Review status: criteria provided, single submitter. Criteria: Ambry Variant Classification Scheme 2023. Collection method: clinical testing. Allele origin: germline.

Labcorp Genetics (formerly Invitae), Labcorp
Classification: Uncertain significance for 2-aminoadipic 2-oxoadipic aciduria. Last evaluated: 2023-10-14. Review status: criteria provided, single submitter. Criteria: Invitae Variant Classification Sherloc (09022015). Collection method: clinical testing. Allele origin: germline.
Comment: This sequence change replaces glycine, which is neutral and non-polar, with arginine, which is basic and polar, at codon 511 of the DHTKD1 protein (p.Gly511Arg). This variant is present in population databases (rs111957806, gnomAD 0.02%). This variant has not been reported in the literature in individuals affected with DHTKD1-related conditions. ClinVar contains an entry for this variant (Variation ID: 1923685). Advanced modeling of protein sequence and biophysical properties (such as structural, functional, and spatial information, amino acid conservation, physicochemical variation, residue mobility, and thermodynamic stability) performed at Invitae indicates that this missense variant is not expected to disrupt DHTKD1 protein function. In summary, the available evidence is currently insufficient to determine the role of this variant in disease. Therefore, it has been classified as a Variant of Uncertain Significance.

NM_018706.7(DHTKD1):c.1531G>C (p.Gly511Arg)

Gene: DHTKD1 (dehydrogenase E1 and transketolase domain containing 1; plus strand). Cytogenetic location: 10p14.
Variant type: single nucleotide variant.
Coding change: c.1531G>C on transcript NM_018706.7 (MANE Select); coding-DNA position 1531, G replaced by C.
Protein change: p.Gly511Arg; replaces glycine 511 with arginine.
Molecular consequence: missense variant.
Genome position (GRCh38, 1-based): chr10:12,097,856, G>C. VCF-style: chr10-12097856-G-C. GRCh37 (hg19) VCF-style: chr10-12139855-G-C.
Other names: c.1531G>C (NM_018706.5); short protein forms G511R.
Identifiers: ClinVar variation 1923685 (VCV001923685.6), dbSNP rs111957806, ClinGen allele CA5407878.